The following is an entry in ClinVar:

NM_181845.2(ZNF283):c.1062G>A (p.Lys354=)

Gene: ZNF283 (zinc finger protein 283; plus strand). Cytogenetic location: 19q13.31.
Variant type: single nucleotide variant.
Coding change: c.1062G>A on transcript NM_181845.2 (MANE Select); coding-DNA position 1062, G replaced by A.
Protein change: p.Lys354=; no amino-acid change (lysine 354 retained).
Molecular consequence: synonymous variant.
Genome position (GRCh38, 1-based): chr19:43,847,663, G>A. VCF-style: chr19-43847663-G-A. GRCh37 (hg19) VCF-style: chr19-44351815-G-A.
Other names: c.645G>A, p.Lys215= (NM_001297752.2).
Identifiers: ClinVar variation 2650072 (VCV002650072.24), dbSNP rs61745999, ClinGen allele CA9492630.
Genomic context (GRCh38, chr19:43,847,663, plus strand): 5'-TGCTAAACATGAGATAATTCATACAGGTGAGAAACCTTATAAATGTAAAGAATGTGGGAA[G>A]GCCTTCAGTCGTGGCTATCAGCTTACTCAGCATCAGAAAATCCATACTGGTAAGAAACCT-3'
Protein context (NP_862828.1, residues 344-364): EKPYKCKECG[Lys354=]AFSRGYQLTQ

ClinVar aggregate classification (germline): Likely benign (1 of 4 stars; one submission).

Allele frequency attached by ClinVar (database versions not stated): 1000 Genomes Project 0.00040; 1000 Genomes Project 30x 0.00047; ESP Exome Variant Server 0.00263.
gnomAD v4.1: 4,258 of 1,613,708 alleles (0.26%); highest among the groups gnomAD compares: Middle Eastern, 1.9%; 13 homozygotes.

Submission:

CeGaT Center for Human Genetics Tuebingen
Classification: Likely benign. Last evaluated: 2022-09-01. Review status: criteria provided, single submitter. Criteria: CeGaT Center For Human Genetics Tuebingen Variant Classification Criteria Version 2. Collection method: clinical testing. Allele origin: germline. Affected: yes. Observed: 1 variant allele.
Comment: ZNF283: BP4, BP7